The following is an entry in ClinVar:

NM_000051.4(ATM):c.7623C>T (p.Leu2541=)

Genes: ATM (ATM serine/threonine kinase; plus strand), C11orf65 (chromosome 11 open reading frame 65; minus strand). Cytogenetic location: 11q22.3.
Variant type: single nucleotide variant.
Coding change: c.7623C>T on transcript NM_000051.4 (MANE Select); coding-DNA position 7623, C replaced by T.
Protein change: p.Leu2541=; no amino-acid change (leucine 2541 retained).
Molecular consequence: synonymous variant. On other transcripts: non-coding transcript variant (1), intron variant (2).
Genome position (GRCh38, 1-based): chr11:108,331,551, C>T. VCF-style: chr11-108331551-C-T. GRCh37 (hg19) VCF-style: chr11-108202278-C-T.
Other names: c.7623C>T, p.Leu2541= (NM_001351834.2); c.641-22480G>A (NM_001330368.2); c.*38+3669G>A (NM_001351110.2).
Identifiers: ClinVar variation 920581 (VCV000920581.14), dbSNP rs2086235791, ClinGen allele CA476677087.

ClinVar aggregate classification (germline): Benign/Likely benign. Review status: criteria provided, multiple submitters, no conflicts (2 of 4 stars). 4 submissions from 4 submitters: Benign (1); Likely benign (3). Last evaluated 2024-06-14.

Conditions:
Hereditary cancer-predisposing syndrome. Also called: Tumor predisposition; Neoplastic Syndromes, Hereditary; Hereditary neoplastic syndrome; Hereditary Cancer Syndrome. Identifiers: Orphanet 140162, MedGen C0027672, MeSH D009386, MONDO:0015356.
Familial cancer of breast. Also called: Hereditary breast cancer; hereditary breast carcinoma; BREAST CANCER, FAMILIAL. Identifiers: Orphanet 227535, MedGen C0346153, MONDO:0016419, OMIM 114480. Disease mechanism: loss of function.
Ataxia-telangiectasia syndrome (AT). Also called: Ataxia-telangiectasia, complementation group D; AT, COMPLEMENTATION GROUP C; ATAXIA-TELANGIECTASIA, COMPLEMENTATION GROUP A; ATAXIA-TELANGIECTASIA, FRESNO VARIANT; Ataxia-telangiectasia; Ataxia telangiectasia (A-T). Identifiers: Orphanet 100, MedGen C0004135, MONDO:0008840, OMIM 208900.

Submissions (4):

Myriad Genetics, Inc.
Classification: Benign for Familial cancer of breast. Last evaluated: 2024-06-14. Review status: criteria provided, single submitter. Criteria: Myriad Autosomal Dominant, Autosomal Recessive and X-Linked Classification Criteria (2023). Collection method: clinical testing. Allele origin: unknown.
Comment: This variant is considered benign. This variant is a silent/synonymous amino acid change and it is not expected to impact splicing.

Ambry Genetics
Classification: Likely benign for Hereditary cancer-predisposing syndrome. Last evaluated: 2023-03-31. Review status: criteria provided, single submitter. Criteria: Ambry Variant Classification Scheme 2023. Collection method: clinical testing. Allele origin: germline.

Labcorp Genetics (formerly Invitae), Labcorp
Classification: Likely benign for Ataxia-telangiectasia syndrome. Last evaluated: 2019-06-15. Review status: criteria provided, single submitter. Criteria: Invitae Variant Classification Sherloc (09022015). Collection method: clinical testing. Allele origin: germline.

Color Diagnostics, LLC DBA Color Health
Classification: Likely benign for Hereditary cancer-predisposing syndrome. Last evaluated: 2019-01-02. Review status: criteria provided, single submitter. Criteria: ACMG Guidelines, 2015. Collection method: clinical testing. Allele origin: germline.